The following is an entry in ClinVar:

ClinVar aggregate classification (germline): Uncertain significance. Review status: criteria provided, multiple submitters, no conflicts (2 of 4 stars). 3 submissions from 3 submitters: Uncertain significance (3). Last evaluated 2025-04-04.

Conditions:
Inborn genetic diseases. Identifiers: MedGen C0950123, MeSH D030342.
PCNT-related disorder. Also called: PCNT-related condition.

Allele frequency attached by ClinVar (database versions not stated): ExAC 0.00001.
gnomAD v4.1: 8 of 1,614,048 alleles (0.0005%); highest among the groups gnomAD compares: Admixed American, 0.013%; no homozygotes.

Submissions (3):

PreventionGenetics, part of Exact Sciences
Classification: Uncertain significance for PCNT-related condition. Last evaluated: 2025-04-04. Review status: criteria provided, single submitter. Criteria: ACMG Guidelines, 2015. Collection method: clinical testing. Allele origin: germline.
Comment: The PCNT c.1585G>C variant is predicted to result in the amino acid substitution p.Asp529His. To our knowledge, this variant has not been reported in the literature. This variant is reported in 0.020% of alleles in individuals of Latino descent in gnomAD. At this time, the clinical significance of this variant is uncertain due to the absence of conclusive functional and genetic evidence.

Ambry Genetics
Classification: Uncertain significance for Inborn genetic diseases. Last evaluated: 2025-03-20. Review status: criteria provided, single submitter. Criteria: Ambry Variant Classification Scheme 2023. Collection method: clinical testing. Allele origin: germline.

Labcorp Genetics (formerly Invitae), Labcorp
Classification: Uncertain significance. Last evaluated: 2022-08-16. Review status: criteria provided, single submitter. Criteria: Invitae Variant Classification Sherloc (09022015). Collection method: clinical testing. Allele origin: germline.
Comment: This sequence change replaces aspartic acid, which is acidic and polar, with histidine, which is basic and polar, at codon 529 of the PCNT protein (p.Asp529His). This variant is present in population databases (rs762598541, gnomAD 0.02%). This variant has not been reported in the literature in individuals affected with PCNT-related conditions. Algorithms developed to predict the effect of missense changes on protein structure and function are either unavailable or do not agree on the potential impact of this missense change (SIFT: "Tolerated"; PolyPhen-2: "Probably Damaging"; Align-GVGD: "Class C0"). In summary, the available evidence is currently insufficient to determine the role of this variant in disease. Therefore, it has been classified as a Variant of Uncertain Significance.

NM_006031.6(PCNT):c.1585G>C (p.Asp529His)

Gene: PCNT (pericentrin; plus strand). Cytogenetic location: 21q22.3.
Variant type: single nucleotide variant.
Coding change: c.1585G>C on transcript NM_006031.6 (MANE Select); coding-DNA position 1585, G replaced by C.
Protein change: p.Asp529His; replaces aspartic acid 529 with histidine.
Molecular consequence: missense variant.
Genome position (GRCh38, 1-based): chr21:46,353,232, G>C. VCF-style: chr21-46353232-G-C. GRCh37 (hg19) VCF-style: chr21-47773146-G-C.
Other names: c.1231G>C, p.Asp411His (NM_001315529.2); short protein forms D529H, D411H.
Identifiers: ClinVar variation 1916820 (VCV001916820.5), dbSNP rs762598541, ClinGen allele CA10078665.
Genomic context (GRCh38, chr21:46,353,232, plus strand): 5'-AAAACCCAGCATGAGTCCGAACTGGAGCAACTGAGGATTTATTTTGAAAAGAAGTTAAGG[G>C]ATGCTGAGAAAACTTACCAAGAAGACCTAACCCTGTTACAGCAGAGGCTGCAGGGGGCGA-3'
Protein context (NP_006022.3, residues 519-539): LRIYFEKKLR[Asp529His]AEKTYQEDLT